The following is an entry in ClinVar:

NM_014915.3(ANKRD26):c.3151G>T (p.Asp1051Tyr)

Gene: ANKRD26 (ankyrin repeat domain 26; minus strand). Cytogenetic location: 10p12.1.
Variant type: single nucleotide variant.
Coding change: c.3151G>T on transcript NM_014915.3 (MANE Select); coding-DNA position 3151, G replaced by T.
Protein change: p.Asp1051Tyr; replaces aspartic acid 1051 with tyrosine.
Molecular consequence: missense variant.
Genome position (GRCh38, 1-based): chr10:27,035,299, C>A on the plus strand (G>T on the coding strand, the complement: ANKRD26 is on the minus strand). VCF-style: chr10-27035299-C-A. GRCh37 (hg19) VCF-style: chr10-27324228-C-A.
Other names: c.3148G>T, p.Asp1050Tyr (NM_001256053.2); short protein forms D1051Y, D1050Y.
Identifiers: ClinVar variation 4105067 (VCV004105067.2).

ClinVar aggregate classification (germline): Uncertain significance (1 of 4 stars; one submission).

Conditions:
Inborn genetic diseases. Identifiers: MedGen C0950123, MeSH D030342.

Submission:

Ambry Genetics
Classification: Uncertain significance for Inborn genetic diseases. Last evaluated: 2026-06-25. Review status: criteria provided, single submitter. Criteria: Ambry Variant Classification Scheme 2023. Collection method: clinical testing. Allele origin: germline.
Comment: The p.D1051Y variant (also known as c.3151G>T), located in coding exon 24 of the ANKRD26 gene, results from a G to T substitution at nucleotide position 3151. The aspartic acid at codon 1051 is replaced by tyrosine, an amino acid with highly dissimilar properties. This amino acid position is conserved. In addition, this alteration is predicted to be tolerated by in silico analysis. Based on the available evidence, the clinical significance of this variant remains unclear.